The following is an entry in ClinVar:

ClinVar aggregate classification (germline): Uncertain significance (1 of 4 stars; one submission).

Conditions:
Hereditary cancer-predisposing syndrome. Also called: Neoplastic Syndromes, Hereditary; Tumor predisposition; Hereditary Cancer Syndrome; Hereditary neoplastic syndrome. Identifiers: Orphanet 140162, MedGen C0027672, MeSH D009386, MONDO:0015356.

Submission:

Ambry Genetics
Classification: Uncertain significance for Hereditary cancer-predisposing syndrome. Last evaluated: 2019-01-25. Review status: criteria provided, single submitter. Criteria: Ambry Variant Classification Scheme 2023. Collection method: clinical testing. Allele origin: germline.
Comment: The p.P531H variant (also known as c.1592C>A), located in coding exon 4 of the MSH6 gene, results from a C to A substitution at nucleotide position 1592. The proline at codon 531 is replaced by histidine, an amino acid with similar properties. This amino acid position is well conserved in available vertebrate species. In addition, the in silico prediction for this alteration is inconclusive. In addition, the CoDP in silico tool predicts this alteration to have a minor impact on molecular function, with a score of 0.112 (Terui H et al. J. Biomed. Sci. 2013 Apr;20:25). Since supporting evidence is limited at this time, the clinical significance of this alteration remains unclear.

NM_000179.3(MSH6):c.1592C>A (p.Pro531His)

Gene: MSH6 (mutS homolog 6; plus strand). Cytogenetic location: 2p16.3.
Variant type: single nucleotide variant.
Coding change: c.1592C>A on transcript NM_000179.3 (MANE Select); coding-DNA position 1592, C replaced by A.
Protein change: p.Pro531His; replaces proline 531 with histidine.
Molecular consequence: missense variant.
Genome position (GRCh38, 1-based): chr2:47,799,575, C>A. VCF-style: chr2-47799575-C-A. GRCh37 (hg19) VCF-style: chr2-48026714-C-A.
Other names: c.1202C>A, p.Pro401His (NM_001281492.2); c.686C>A, p.Pro229His (NM_001281493.2, NM_001281494.2, NM_001406811.1 and 6 more transcripts); c.1688C>A, p.Pro563His (NM_001406795.1, NM_001406802.1); c.1592C>A, p.Pro531His (NM_001406796.1, NM_001406798.1, NM_001406800.1 and 4 more transcripts); c.1295C>A, p.Pro432His (NM_001406797.1, NM_001406801.1, NM_001406805.1 and 10 more transcripts); c.1067C>A, p.Pro356His (NM_001406799.1, NM_001406806.1, NM_001406807.1); c.1514C>A, p.Pro505His (NM_001406804.1); c.1598C>A, p.Pro533His (NM_001406813.1); and 1 more; short protein forms P356H, P563H, P401H, P432H, P475H, P531H, P533H, P229H.
Identifiers: ClinVar variation 1775941 (VCV001775941.2), dbSNP rs2104353860, ClinGen allele CA346746914.